The following is an entry in ClinVar:

NM_006939.4(SOS2):c.3380-3_3380-2del

Gene: SOS2 (SOS Ras/Rho guanine nucleotide exchange factor 2; minus strand). Cytogenetic location: 14q21.3.
Variant type: Deletion.
Coding change: c.3380-3_3380-2del on transcript NM_006939.4 (MANE Select); 3 bases into the intron before coding-DNA position 3380 through the canonical splice acceptor site of the intron before coding-DNA position 3380, 2 bases deleted (CA; older notation c.3380-3_3380-2delCA).
Molecular consequence: splice acceptor variant.
Genome position (GRCh38, 1-based): chr14:50,120,386-50,120,387, TG deleted on the plus strand (CA on the coding strand, the reverse complement: SOS2 is on the minus strand). VCF-style (leftmost placement, unchanged base first): chr14-50120385-CTG-C. GRCh37 (hg19) VCF-style: chr14-50587103-CTG-C.
Identifiers: ClinVar variation 1033167 (VCV001033167.1), dbSNP rs1883462827, ClinGen allele CA2136049513.

ClinVar aggregate classification (germline): Uncertain significance (1 of 4 stars; one submission).

Conditions:
Noonan syndrome 9 (NS9). Identifiers: Orphanet 648, MedGen C4225282, MONDO:0014691, OMIM 616559.

Submission:

Baylor Genetics
Classification: Uncertain significance for Noonan syndrome 9. Last evaluated: 2018-04-18. Review status: criteria provided, single submitter. Criteria: ACMG Guidelines, 2015. Collection method: clinical testing. Allele origin: paternal. Affected: yes.
Comment: This variant was determined to be of uncertain significance according to ACMG Guidelines, 2015 [PMID:25741868].